The following is an entry in ClinVar:

ClinVar aggregate classification (germline): Pathogenic. Review status: criteria provided, multiple submitters, no conflicts (2 of 4 stars). 9 submissions from 9 submitters: Pathogenic (5). 4 of the submissions do not count toward it. Last evaluated 2026-01-01.

Conditions:
TRPC6-related disorder. Also called: TRPC6-related condition.
Nephrotic syndrome. Identifiers: MedGen C0027726, MONDO:0005377, HP:0000100.
Focal segmental glomerulosclerosis 2 (FSGS2). Identifiers: Orphanet 656, MedGen C1858915, MONDO:0011390, OMIM 603965.

Allele frequency attached by ClinVar (database versions not stated): gnomAD exomes below 0.00001.
gnomAD v4.1: 3 of 1,613,734 alleles (0.00019%); highest among the groups gnomAD compares: South Asian, 0.0011%; no homozygotes.

Submissions (9):

CeGaT Center for Human Genetics Tuebingen
Classification: Pathogenic. Last evaluated: 2026-01-01. Review status: criteria provided, single submitter. Criteria: CeGaT Center For Human Genetics Tuebingen Variant Classification Criteria Version 2. Collection method: clinical testing. Allele origin: germline. Affected: yes. Observed: 1 variant allele.
Comment: TRPC6: PS4, PM2, PM5, PP3, PS3:Supporting

Genesolutions, Medical Genetics Institutes, Ho Chi Minh City, Vietnam
Classification: Pathogenic for Focal segmental glomerulosclerosis 2. Last evaluated: 2025-09-24. Review status: criteria provided, single submitter. Criteria: ACMG Guidelines, 2015. Collection method: clinical testing. Allele origin: germline. Affected: yes.

Victorian Clinical Genetics Services, Murdoch Childrens Research Institute
Classification: Pathogenic for Focal segmental glomerulosclerosis 2. Last evaluated: 2025-06-17. Review status: criteria provided, single submitter. Criteria: ACMG Guidelines, 2015. Collection method: clinical testing. Allele origin: germline. Affected: yes.
Comment: This variant is classified as Pathogenic. Evidence in support of pathogenic classification: Variant is present in gnomAD <0.001 for a dominant condition (v4: 3 heterozygote(s), 0 homozygote(s)); This variant has very strong previous evidence of pathogenicity in unrelated individuals. This variant has been reported pathogenic by clinical laboratories and has been identified in at least six unrelated families with focal segmental glomerulosclerosis, severe proteinuria or chronic kidney disease (ClinVar, PMID:28580132, 28921387, 31937884, 35655039, 38338714, 34746741); Missense variant predicted to be damaging by in silico tool(s) or highly conserved with a major amino acid change. Additional information: Variant is predicted to result in a missense amino acid change from arginine to cysteine; This variant is heterozygous; This gene is associated with autosomal dominant disease; Alternative amino acid change(s) at the same position are present in gnomAD (v4: 4 heterozygote(s), 0 homozygote(s)); Variant is not located in an established domain, motif, hotspot or informative constraint region; Gain of function is a known mechanism of disease in this gene and is associated with glomerulosclerosis, focal segmental, 2 (MIM#603965). Reported variants are associated with current amplitude amplification and/or delay of the channel inactivation (PMID: 15879175, 32509715, 31266820); Inheritance information for this variant is not currently available in this individual.

Labcorp Genetics (formerly Invitae), Labcorp
Classification: Pathogenic. Last evaluated: 2025-06-12. Review status: criteria provided, single submitter. Criteria: Invitae Variant Classification Sherloc (09022015). Collection method: clinical testing. Allele origin: germline.
Comment: This sequence change replaces arginine, which is basic and polar, with cysteine, which is neutral and slightly polar, at codon 895 of the TRPC6 protein (p.Arg895Cys). This variant is not present in population databases (gnomAD no frequency). This missense change has been observed in individuals with clinical features of focal segmental glomerulosclerosis (PMID: 15924139, 28921387; internal data). It has also been observed to segregate with disease in related individuals. ClinVar contains an entry for this variant (Variation ID: 6155). Invitae Evidence Modeling of protein sequence and biophysical properties (such as structural, functional, and spatial information, amino acid conservation, physicochemical variation, residue mobility, and thermodynamic stability) indicates that this missense variant is expected to disrupt TRPC6 protein function with a positive predictive value of 95%. Experimental studies have shown that this missense change affects TRPC6 function (PMID: 15924139, 19129465, 23645677, 26892346). This variant disrupts the p.Arg895 amino acid residue in TRPC6. Other variant(s) that disrupt this residue have been determined to be pathogenic (PMID: 21734084). This suggests that this residue is clinically significant, and that variants that disrupt this residue are likely to be disease-causing. For these reasons, this variant has been classified as Pathogenic.

Fulgent Genetics
Classification: Pathogenic for Focal segmental glomerulosclerosis 2. Last evaluated: 2024-06-05. Review status: criteria provided, single submitter. Criteria: ACMG Guidelines, 2015. Collection method: clinical testing. Allele origin: germline.

PreventionGenetics, part of Exact Sciences
Classification: Pathogenic for TRPC6-related condition. Last evaluated: 2024-06-27. Review status: no assertion criteria provided. Collection method: clinical testing. Allele origin: germline. Not counted in ClinVar's aggregate classification.
Comment: The TRPC6 c.2683C>T variant is predicted to result in the amino acid substitution p.Arg895Cys. This variant was reported to segregate in a large family with autosomal dominant focal segmental glomerulosclerosis (Reiser et al. 2005. PubMed ID: 15924139). Functional studies indicate this variant results in increased activity compared to the wild type protein, consistent with a gain-of-function mechanism (Reiser et al. 2005. PubMed ID: 15924139; Schlöndorff et al. 2009. PubMed ID: 19129465; Riehle et al. 2016. PubMed ID: 26892346). This variant has not been reported in a large population database, indicating this variant is rare. This variant is interpreted as pathogenic.

Sydney Genome Diagnostics, Children's Hospital Westmead
Classification: Pathogenic for Nephrotic syndrome. Last evaluated: 2019-07-03. Review status: no assertion criteria provided. Collection method: clinical testing. Allele origin: unknown. Affected: yes. Observed: 1 variant allele, 2 heterozygotes. Not counted in ClinVar's aggregate classification.
Comment: The variant has not been reported in any population databases (i.e. gnomAD, ExAC, ESP or dbSNP). This variant has been demonstrated to segregate with disease in a large pedigree with autosomal dominant focal segmental glomerulosclerosis (Reiser et al 2005 Nat Genet 37: 739-744). Multiple in vitro functional studies supported pathogenicity of this variant due to a gain of function of the TRPC ion channel (Reiser et al 2005; Schlondorff et al 2009 Am J Physiol Cell Physiol 296: C558-C569; Chiluiza et al 2013 J Biol Chem 288: 18407-18420). This variant is considered to be pathogenic according to the ACMG guidelines (Evidence used: PS3, PM2, PP1_Strong).

Gharavi Laboratory, Columbia University
Classification: Pathogenic. Last evaluated: 2018-09-16. Review status: no assertion criteria provided. Criteria: ACMG Guidelines, 2015. Collection method: research. Allele origin: germline. Affected: yes. Not counted in ClinVar's aggregate classification.

OMIM
Classification: Pathogenic for FOCAL SEGMENTAL GLOMERULOSCLEROSIS 2. Last evaluated: 2005-07-01. Review status: no assertion criteria provided. Collection method: literature only. Allele origin: germline. Not counted in ClinVar's aggregate classification.

Literature cited by the submitters: PubMed 31937884 (cited by Victorian Clinical Genetics Services, Murdoch Childrens Research Institute); PubMed 15879175 (cited by Victorian Clinical Genetics Services, Murdoch Childrens Research Institute); PubMed 38338714 (cited by Victorian Clinical Genetics Services, Murdoch Childrens Research Institute); PubMed 28921387 (cited by Victorian Clinical Genetics Services, Murdoch Childrens Research Institute and Labcorp Genetics (formerly Invitae), Labcorp); PubMed 31266820 (cited by Victorian Clinical Genetics Services, Murdoch Childrens Research Institute); PubMed 34746741 (cited by Victorian Clinical Genetics Services, Murdoch Childrens Research Institute); PubMed 32509715 (cited by Victorian Clinical Genetics Services, Murdoch Childrens Research Institute); PubMed 28580132 (cited by Victorian Clinical Genetics Services, Murdoch Childrens Research Institute); PubMed 35655039 (cited by Victorian Clinical Genetics Services, Murdoch Childrens Research Institute); PubMed 15924139 (cited by Labcorp Genetics (formerly Invitae), Labcorp and OMIM); PubMed 19129465 (cited by Labcorp Genetics (formerly Invitae), Labcorp); PubMed 23645677 (cited by Labcorp Genetics (formerly Invitae), Labcorp); PubMed 26892346 (cited by Labcorp Genetics (formerly Invitae), Labcorp); PubMed 21734084 (cited by Labcorp Genetics (formerly Invitae), Labcorp).

NM_004621.6(TRPC6):c.2683C>T (p.Arg895Cys)

Gene: TRPC6 (transient receptor potential cation channel subfamily C member 6; minus strand). Cytogenetic location: 11q22.1.
Variant type: single nucleotide variant.
Coding change: c.2683C>T on transcript NM_004621.6 (MANE Select); coding-DNA position 2683, C replaced by T.
Protein change: p.Arg895Cys; replaces arginine 895 with cysteine.
Molecular consequence: missense variant.
Genome position (GRCh38, 1-based): chr11:101,453,068, G>A on the plus strand (C>T on the coding strand, the complement: TRPC6 is on the minus strand). VCF-style: chr11-101453068-G-A. GRCh37 (hg19) VCF-style: chr11-101323799-G-A.
Other names: short protein forms R895C.
Identifiers: ClinVar variation 6155 (VCV000006155.21), dbSNP rs121434394, ClinGen allele CA117982.
Genomic context (GRCh38, chr11:101,453,068, plus strand): 5'-CTCTAATAAGTTCTGCTAGGTCTTCTGTATTCTGAGATTTTTCTTCAAGGAGTTCATAGC[G>A]GAGACTTGAGATGTCCTGCTTAATTTCCTTCAGTTCCCCTTTGAAAGCAAGAGTGATAAG-3'
Protein context (NP_004612.2, residues 885-905): KEIKQDISSL[Arg895Cys]YELLEEKSQN